The following is an entry in ClinVar:

ClinVar aggregate classification (germline): Uncertain significance (1 of 4 stars; one submission).

gnomAD v4.1: 5 of 1,614,084 alleles (0.00031%); highest among the groups gnomAD compares: Non-Finnish European, 0.00042%; no homozygotes.

Submission:

Ambry Genetics
Classification: Uncertain significance. Last evaluated: 2024-11-25. Review status: criteria provided, single submitter. Criteria: Ambry Variant Classification Scheme 2023. Collection method: clinical testing. Allele origin: germline.
Comment: The p.V56M variant (also known as c.166G>A), located in coding exon 1 of the CDK12 gene, results from a G to A substitution at nucleotide position 166. The valine at codon 56 is replaced by methionine, an amino acid with highly similar properties. This amino acid position is conserved. In addition, this alteration is predicted to be tolerated by in silico analysis. Based on the available evidence, the clinical significance of this variant remains unclear.

NM_016507.4(CDK12):c.166G>A (p.Val56Met)

Genes: CDK12 (cyclin dependent kinase 12; plus strand), LOC126862553 (CDK7 strongly-dependent group 2 enhancer GRCh37_chr17:37618166-37619365; plus strand). Cytogenetic location: 17q12.
Variant type: single nucleotide variant.
Coding change: c.166G>A on transcript NM_016507.4 (MANE Select); coding-DNA position 166, G replaced by A.
Protein change: p.Val56Met; replaces valine 56 with methionine.
Molecular consequence: missense variant.
Genome position (GRCh38, 1-based): chr17:39,462,237, G>A. VCF-style: chr17-39462237-G-A. GRCh37 (hg19) VCF-style: chr17-37618490-G-A.
Other names: c.166G>A, p.Val56Met (NM_015083.4); short protein forms V56M.
Identifiers: ClinVar variation 3489279 (VCV003489279.1).